The following is an entry in ClinVar:

NM_001130823.3(DNMT1):c.3353A>G (p.His1118Arg)

Gene: DNMT1 (DNA methyltransferase 1; minus strand). Cytogenetic location: 19p13.2.
Variant type: single nucleotide variant.
Coding change: c.3353A>G on transcript NM_001130823.3 (MANE Select); coding-DNA position 3353, A replaced by G.
Protein change: p.His1118Arg; replaces histidine 1118 with arginine.
Molecular consequence: missense variant.
Genome position (GRCh38, 1-based): chr19:10,141,146, T>C on the plus strand (A>G on the coding strand, the complement: DNMT1 is on the minus strand). VCF-style: chr19-10141146-T-C. GRCh37 (hg19) VCF-style: chr19-10251822-T-C.
Other names: c.3353A>G (LRG_362t1); c.3305A>G, p.His1102Arg (NM_001318730.2, NM_001379.4); c.2990A>G, p.His997Arg (NM_001318731.2); short protein forms H1118R, H1102R, H997R.
Identifiers: ClinVar variation 246040 (VCV000246040.18), dbSNP rs150331990, ClinGen allele CA9187773.

ClinVar aggregate classification (germline): Uncertain significance. Review status: criteria provided, multiple submitters, no conflicts (2 of 4 stars). 7 submissions from 7 submitters: Uncertain significance (6). 1 of the submissions does not count toward it. Last evaluated 2024-06-24.

Conditions:
Inborn genetic diseases. Identifiers: MedGen C0950123, MeSH D030342.
Autosomal dominant cerebellar ataxia, deafness and narcolepsy. Also called: Autosomal Dominant Cerebellar Ataxia, Deafness, and Narcolepsy (ADCA-DN). Identifiers: Orphanet 314404, MedGen C4302668, MONDO:0011397, OMIM 604121.
Hereditary sensory neuropathy-deafness-dementia syndrome. Also called: HSN IE; Hereditary sensory neuropathy type IE; NEUROPATHY, HEREDITARY SENSORY, WITH HEARING LOSS AND DEMENTIA; Hereditary Sensory and Autonomic Neuropathy Type 1E (HSAN1E). Identifiers: Orphanet 456318, MedGen C3279885, MONDO:0013584, OMIM 614116.
Beckwith-Wiedemann syndrome (BWS). Also called: EMG SYNDROME; Exomphalos macroglossia gigantism syndrome. Identifiers: Orphanet 116, MedGen C0004903, MONDO:0007534, OMIM 130650.

Allele frequency attached by ClinVar (database versions not stated): gnomAD 0.00002; TOPMed 0.00002; ESP Exome Variant Server 0.00008.
gnomAD v4.1: 117 of 1,613,900 alleles (0.0072%); highest among the groups gnomAD compares: Non-Finnish European, 0.0098%; no homozygotes.

Submissions (7):

Labcorp Genetics (formerly Invitae), Labcorp
Classification: Uncertain significance for Hereditary sensory neuropathy-deafness-dementia syndrome. Last evaluated: 2024-06-24. Review status: criteria provided, single submitter. Criteria: Invitae Variant Classification Sherloc (09022015). Collection method: clinical testing. Allele origin: germline.
Comment: This sequence change replaces histidine, which is basic and polar, with arginine, which is basic and polar, at codon 1118 of the DNMT1 protein (p.His1118Arg). This variant is present in population databases (rs150331990, gnomAD 0.006%). This variant has not been reported in the literature in individuals affected with DNMT1-related conditions. ClinVar contains an entry for this variant (Variation ID: 246040). Advanced modeling of protein sequence and biophysical properties (such as structural, functional, and spatial information, amino acid conservation, physicochemical variation, residue mobility, and thermodynamic stability) performed at Invitae indicates that this missense variant is not expected to disrupt DNMT1 protein function with a negative predictive value of 80%. In summary, the available evidence is currently insufficient to determine the role of this variant in disease. Therefore, it has been classified as a Variant of Uncertain Significance.

GeneDx
Classification: Uncertain significance. Last evaluated: 2023-10-02. Review status: criteria provided, single submitter. Criteria: GeneDx Variant Classification Process June 2021. Collection method: clinical testing. Allele origin: germline. Affected: yes.
Comment: Identified in a patient with Beckwith-Wiedemann syndrome due to loss of methylation at the 11p15.5 imprinting center, suggesting a possible role in methylation maintenance (Dagar et al., 2018); In silico analysis supports that this missense variant has a deleterious effect on protein structure/function; This variant is associated with the following publications: (PMID: 30687383, 30165906)

Blueprint Genetics
Classification: Uncertain significance. Last evaluated: 2023-07-03. Review status: criteria provided, single submitter. Criteria: ACMG Guidelines, 2015. Collection method: clinical testing. Allele origin: germline.

Ambry Genetics
Classification: Uncertain significance for Inborn genetic diseases. Last evaluated: 2022-07-26. Review status: criteria provided, single submitter. Criteria: Ambry Variant Classification Scheme 2023. Collection method: clinical testing. Allele origin: germline.
Comment: The p.H1102R variant (also known as c.3305A>G), located in coding exon 30 of the DNMT1 gene, results from an A to G substitution at nucleotide position 3305. The histidine at codon 1102 is replaced by arginine, an amino acid with highly similar properties. This amino acid position is highly conserved in available vertebrate species. In addition, this alteration is predicted to be tolerated by in silico analysis. Since supporting evidence is limited at this time, the clinical significance of this alteration remains unclear.

Victorian Clinical Genetics Services, Murdoch Childrens Research Institute
Classification: Uncertain significance for Hereditary sensory neuropathy-deafness-dementia syndrome. Last evaluated: 2020-10-15. Review status: criteria provided, single submitter. Criteria: ACMG Guidelines, 2015. Collection method: clinical testing. Allele origin: germline. Inheritance: Autosomal dominant inheritance.
Comment: Based on the classification scheme VCGS_Germline_v1.3.3, this variant is classified as 3B-VUS. Following criteria are met: 0102 - Loss of function is a likely mechanism of disease in this gene and is associated with cerebellar ataxia, deafness, and narcolepsy (MIM# 604121) and hereditary sensory neuropathy, type IE (MIM# 614116). (I) 0107 - This gene is associated with autosomal dominant disease. (I) 0200 - Variant is predicted to result in a missense amino acid change from histidine to arginine. (I) 0251 - This variant is heterozygous. (I) 0302 - Variant is present in gnomAD (v2) <0.001 for a dominant condition (7 heterozygotes, 0 homozygotes). (SP) 0309 - Multiple alternative amino acid changes at the same position has been observed in gnomAD (v2) (Highest allele count: 19 heterozygotes, 0 homozygotes). (I) 0502 - Missense variant with conflicting in silico predictions and uninformative conservation. (I) 0604 - Variant is not located in an established domain, motif, hotspot or informative constraint region. (I) 0710 - Another missense variant comparable to the one identified in this case has inconclusive previous evidence for pathogenicity. The p.(His1118Tyr) variant has been classified as a variant of uncertain significance by a single laboratory (ClinVar). (I) 0808 - Previous reports of pathogenicity for this variant are conflicting. 2 laboratories have classified it as a variant of uncertain significance however, it has also been reported in a patient with Beckwith-Wiedemann syndrome (MIM# 130650) (Clinvar; PMID: 30165906). (I) 0905 - No published segregation evidence has been identified for this variant. (I) 1002 - This variant has moderate functional evidence supporting abnormal protein function. In vitro assays using purified proteins demonstrated reduced substrate binding (PMID: 30165906). (SP) 1208 - Inheritance information for this variant is not currently available in this individual. (I) Legend: (SP) - Supporting pathogenic, (I) - Information, (SB) - Supporting benign

Baylor Genetics
Classification: Uncertain significance for Autosomal dominant cerebellar ataxia, deafness and narcolepsy. Last evaluated: 2018-01-16. Review status: criteria provided, single submitter. Criteria: ACMG Guidelines, 2015. Collection method: clinical testing. Allele origin: paternal. Affected: yes.
Comment: This variant was determined to be of uncertain significance according to ACMG Guidelines, 2015 [PMID:25741868].

Genetics and Molecular Pathology Laboratory, Hudson Institute of Medical Research
Classification: Uncertain significance for Beckwith-Wiedemann syndrome. Review status: no assertion criteria provided. Collection method: research. Allele origin: germline, not applicable. Affected: yes. Observed: 1 variant allele, 1 heterozygote. Not counted in ClinVar's aggregate classification.
Comment: This variant was identified in heterozygous form in 1 of 53 cases with Beckwith Wiedemann syndrome with loss of KCNQ1OT1 at Imprinting centre 2 on 11p15.5. The variant frequency in dbSNP is 0.00001.

Literature cited by the submitters: PubMed 30165906 (cited by Victorian Clinical Genetics Services, Murdoch Childrens Research Institute).